The following is an entry in ClinVar:

NM_000742.4(CHRNA2):c.735C>T (p.Tyr245=)

Gene: CHRNA2 (cholinergic receptor nicotinic alpha 2 subunit; minus strand). Cytogenetic location: 8p21.2.
Variant type: single nucleotide variant.
Coding change: c.735C>T on transcript NM_000742.4 (MANE Select); coding-DNA position 735, C replaced by T.
Protein change: p.Tyr245=; no amino-acid change (tyrosine 245 retained).
Molecular consequence: synonymous variant.
Genome position (GRCh38, 1-based): chr8:27,463,708, G>A on the plus strand (C>T on the coding strand, the complement: CHRNA2 is on the minus strand). VCF-style: chr8-27463708-G-A. GRCh37 (hg19) VCF-style: chr8-27321225-G-A.
Other names: c.690C>T, p.Tyr230= (NM_001282455.2); c.258C>T, p.Tyr86= (NM_001347705.2, NM_001347706.2); c.141C>T, p.Tyr47= (NM_001347707.2, NM_001347708.2).
Identifiers: ClinVar variation 543548 (VCV000543548.31), dbSNP rs775595773, ClinGen allele CA4689603.

ClinVar aggregate classification (germline): Likely benign. Review status: criteria provided, multiple submitters, no conflicts (2 of 4 stars). 2 submissions from 2 submitters: Likely benign (2). Last evaluated 2022-11-01.

Conditions:
Familial sleep-related hypermotor epilepsy. Also called: Autosomal Dominant Sleep-Related Hypermotor (Hyperkinetic) Epilepsy. Identifiers: Orphanet 98784, MedGen C3696898, MONDO:0000030.

Allele frequency attached by ClinVar (database versions not stated): gnomAD exomes 0.00001; ExAC 0.00002.

Submissions (2):

CeGaT Center for Human Genetics Tuebingen
Classification: Likely benign. Last evaluated: 2022-11-01. Review status: criteria provided, single submitter. Criteria: CeGaT Center For Human Genetics Tuebingen Variant Classification Criteria Version 2. Collection method: clinical testing. Allele origin: germline. Affected: yes. Observed: 1 variant allele.
Comment: CHRNA2: BP4, BP7

Labcorp Genetics (formerly Invitae), Labcorp
Classification: Likely benign. Last evaluated: 2017-12-05. Review status: criteria provided, single submitter. Criteria: Invitae Variant Classification Sherloc (09022015). Collection method: clinical testing. Allele origin: germline.